The following is an entry in ClinVar:

ClinVar aggregate classification (germline): Uncertain significance (1 of 4 stars; one submission).

Conditions:
Vici syndrome (VICIS). Identifiers: Orphanet 1493, MedGen C1855772, MONDO:0009452, OMIM 242840.

Allele frequency attached by ClinVar (database versions not stated): gnomAD exomes below 0.00001 and 0.00002; ExAC 0.00001; gnomAD 0.00001; TOPMed 0.00002.
gnomAD v4.1: 8 of 1,614,040 alleles (0.0005%); highest among the groups gnomAD compares: Admixed American, 0.012%; no homozygotes.

Submission:

Labcorp Genetics (formerly Invitae), Labcorp
Classification: Uncertain significance for Vici syndrome. Last evaluated: 2026-02-03. Review status: criteria provided, single submitter. Criteria: Invitae Variant Classification Sherloc (09022015). Collection method: clinical testing. Allele origin: germline.
Comment: This sequence change replaces methionine, which is neutral and non-polar, with threonine, which is neutral and polar, at codon 646 of the EPG5 protein (p.Met646Thr). This variant is present in population databases (rs776655554, gnomAD 0.01%). This variant has not been reported in the literature in individuals affected with EPG5-related conditions. ClinVar contains an entry for this variant (Variation ID: 1403531). Invitae Evidence Modeling of protein sequence and biophysical properties (such as structural, functional, and spatial information, amino acid conservation, physicochemical variation, residue mobility, and thermodynamic stability) indicates that this missense variant is not expected to disrupt EPG5 protein function with a negative predictive value of 80%. In summary, the available evidence is currently insufficient to determine the role of this variant in disease. Therefore, it has been classified as a Variant of Uncertain Significance.

NM_020964.3(EPG5):c.1937T>C (p.Met646Thr)

Gene: EPG5 (ectopic P-granules 5 autophagy tethering factor; minus strand). Cytogenetic location: 18q21.1.
Variant type: single nucleotide variant.
Coding change: c.1937T>C on transcript NM_020964.3 (MANE Select); coding-DNA position 1937, T replaced by C.
Protein change: p.Met646Thr; replaces methionine 646 with threonine.
Molecular consequence: missense variant.
Genome position (GRCh38, 1-based): chr18:45,943,167, A>G on the plus strand (T>C on the coding strand, the complement: EPG5 is on the minus strand). VCF-style: chr18-45943167-A-G. GRCh37 (hg19) VCF-style: chr18-43523133-A-G.
Other names: short protein forms M646T.
Identifiers: ClinVar variation 1403531 (VCV001403531.5), dbSNP rs776655554, ClinGen allele CA8949571.
Genomic context (GRCh38, chr18:45,943,167, plus strand): 5'-TGTGTCTGACCAGGGTGAAAGGAACAGAGAAGGGTAGAGCAACAGCAGTATTACCTGATC[A>G]TATAACCAATTCGCTTCACAAACTGCCTATAGCGTGCTCTATTAAAGGTTTCTAACCCCA-3'
Protein context (NP_066015.2, residues 636-656): YRQFVKRIGY[Met646Thr]IRMTLGYVSD